The following is an entry in ClinVar:

ClinVar aggregate classification (germline): Uncertain significance (1 of 4 stars; one submission).

Allele frequency attached by ClinVar (database versions not stated): ESP Exome Variant Server 0.00008.
gnomAD v4.1: 14 of 1,592,016 alleles (0.00088%); highest among the groups gnomAD compares: Middle Eastern, 0.017%; no homozygotes.

Submission:

Labcorp Genetics (formerly Invitae), Labcorp
Classification: Uncertain significance. Last evaluated: 2022-10-18. Review status: criteria provided, single submitter. Criteria: Invitae Variant Classification Sherloc (09022015). Collection method: clinical testing. Allele origin: germline.
Comment: This sequence change replaces arginine, which is basic and polar, with serine, which is neutral and polar, at codon 802 of the DOCK6 protein (p.Arg802Ser). The frequency data for this variant in the population databases is considered unreliable, as metrics indicate poor data quality at this position in the gnomAD database. This variant has not been reported in the literature in individuals affected with DOCK6-related conditions. Advanced modeling of protein sequence and biophysical properties (such as structural, functional, and spatial information, amino acid conservation, physicochemical variation, residue mobility, and thermodynamic stability) performed at Invitae indicates that this missense variant is not expected to disrupt DOCK6 protein function. In summary, the available evidence is currently insufficient to determine the role of this variant in disease. Therefore, it has been classified as a Variant of Uncertain Significance.

NM_020812.4(DOCK6):c.2404C>A (p.Arg802Ser)

Gene: DOCK6 (dedicator of cytokinesis 6; minus strand). Cytogenetic location: 19p13.2.
Variant type: single nucleotide variant.
Coding change: c.2404C>A on transcript NM_020812.4 (MANE Select); coding-DNA position 2404, C replaced by A.
Protein change: p.Arg802Ser; replaces arginine 802 with serine.
Molecular consequence: missense variant.
Genome position (GRCh38, 1-based): chr19:11,235,748, G>T on the plus strand (C>A on the coding strand, the complement: DOCK6 is on the minus strand). VCF-style: chr19-11235748-G-T. GRCh37 (hg19) VCF-style: chr19-11346424-G-T.
Other names: c.2404C>A, p.Arg802Ser (NM_001367830.1); short protein forms R802S.
Identifiers: ClinVar variation 1942246 (VCV001942246.2), dbSNP rs374740106, ClinGen allele CA9207635.